The following is an entry in ClinVar:

NM_007254.4(PNKP):c.1387-3C>T

Gene: PNKP (polynucleotide kinase 3'-phosphatase; minus strand). Cytogenetic location: 19q13.33.
Variant type: single nucleotide variant.
Coding change: c.1387-3C>T on transcript NM_007254.4 (MANE Select); 3 bases into the intron before coding-DNA position 1387, C replaced by T.
Molecular consequence: intron variant.
Genome position (GRCh38, 1-based): chr19:49,861,513, G>A on the plus strand (C>T on the coding strand, the complement: PNKP is on the minus strand). VCF-style: chr19-49861513-G-A. GRCh37 (hg19) VCF-style: chr19-50364770-G-A.
Identifiers: ClinVar variation 2022799 (VCV002022799.4), dbSNP rs1470343514, ClinGen allele CA508296608.

ClinVar aggregate classification (germline): Uncertain significance (1 of 4 stars; one submission).

Conditions:
Developmental and epileptic encephalopathy, 12 (DEE12). Identifiers: MedGen C3150988, MONDO:0013389, OMIM 613722.

gnomAD v4.1: 14 of 1,613,078 alleles (0.00087%); highest among the groups gnomAD compares: South Asian, 0.0011%; no homozygotes.

Submission:

Labcorp Genetics (formerly Invitae), Labcorp
Classification: Uncertain significance for Developmental and epileptic encephalopathy, 12. Last evaluated: 2022-08-08. Review status: criteria provided, single submitter. Criteria: Invitae Variant Classification Sherloc (09022015). Collection method: clinical testing. Allele origin: germline.
Comment: This variant has not been reported in the literature in individuals affected with PNKP-related conditions. In summary, the available evidence is currently insufficient to determine the role of this variant in disease. Therefore, it has been classified as a Variant of Uncertain Significance. This sequence change falls in intron 15 of the PNKP gene. It does not directly change the encoded amino acid sequence of the PNKP protein. It affects a nucleotide within the consensus splice site. Variants that disrupt the consensus splice site are a relatively common cause of aberrant splicing (PMID: 17576681, 9536098). Algorithms developed to predict the effect of sequence changes on RNA splicing suggest that this variant is not likely to affect RNA splicing. This variant is present in population databases (no rsID available, gnomAD 0.0009%).

Literature cited by the submitters: PubMed 17576681; PubMed 9536098.